The following is an entry in ClinVar:

NM_007294.3:c.547+68A>G

Gene: BRCA1 (BRCA1 DNA repair associated; minus strand).
Variant type: single nucleotide variant.
Identifiers: ClinVar variation 4057255 (VCV004057255.1).

ClinVar aggregate classification (germline): Benign (1 of 4 stars; one submission).

Conditions:
Breast-ovarian cancer, familial, susceptibility to, 2 (BROVCA2). Also called: BRCA2 Hereditary Breast and Ovarian Cancer. Identifiers: Orphanet 145, MedGen C2675520, MONDO:0012933, OMIM 612555. Disease mechanism: loss of function.

Submission:

Dipartimento Di Medicina Di Precisione, Università Degli Studi Della Campania Luigi Vanvitelli
Classification: Benign for Breast-ovarian cancer, familial, susceptibility to, 2. Last evaluated: 2025-07-17. Review status: criteria provided, single submitter. Criteria: ACMG Guidelines, 2015. Collection method: clinical testing. Allele origin: germline. Inheritance: Autosomal dominant inheritance. Affected: yes. Observed: 1 heterozygote.
Comment: This intronic variant, located in intron 7 of the BRCA1 gene (c.547+68A>G), was initially classified as a Variant of Uncertain Significance (VUS). However, updated in silico splicing prediction tools (e.g., SpliceAI, MaxEntScan, and Human Splicing Finder) consistently indicate no significant impact on canonical splicing motifs. The variant is located deep within the intron and does not affect the consensus splice donor or acceptor sites. Additionally, no evolutionary conservation or regulatory elements are predicted to be altered. Based on current evidence, the variant is considered likely benign.

Literature cited by the submitters: DOI 10.3390/ijms26135928.